The following is an entry in ClinVar:

NM_013275.6(ANKRD11):c.5739_5766del (p.Glu1915fs)

Gene: ANKRD11 (ankyrin repeat domain containing 11; minus strand). Cytogenetic location: 16q24.3.
Variant type: Deletion.
Coding change: c.5739_5766del on transcript NM_013275.6 (MANE Select); coding-DNA positions 5739 to 5766, 28 bases deleted (CTCCGAGGACCAGCAGGCGACGGCCGCC).
Protein change: p.Glu1915fs; shifts the reading frame from glutamic acid 1915.
Molecular consequence: frameshift variant.
Genome position (GRCh38, 1-based): chr16:89,280,776-89,280,803, GGCGGCCGTCGCCTGCTGGTCCTCGGAG deleted on the plus strand (CTCCGAGGACCAGCAGGCGACGGCCGCC on the coding strand, the reverse complement: ANKRD11 is on the minus strand); deleting any 28 consecutive bases within chr16:89,280,776-89,280,804 gives the same sequence; the c. name uses the placement nearest the transcript's 3' end. VCF-style (leftmost placement, unchanged base first): chr16-89280775-TGGCGGCCGTCGCCTGCTGGTCCTCGGAG-T. GRCh37 (hg19) VCF-style: chr16-89347183-TGGCGGCCGTCGCCTGCTGGTCCTCGGAG-T.
Other names: c.5739_5766del, p.Glu1915fs (NM_001256182.2, NM_001256183.2); short protein forms E1915fs.
Identifiers: ClinVar variation 1749354 (VCV001749354.3), dbSNP rs2544226185, ClinGen allele CA2580092410.
Genomic context (GRCh38, chr16:89,280,775, plus strand): 5'-TGACGGCGCTGAAGGGACCCTCGTCCAGCGGCTCCAGGTAGCTGGGCTCCGGGGGGATGA[TGGCGGCCGTCGCCTGCTGGTCCTCGGAG>T]GTGTCCAGGTCCGGGGGAAGGGCCCCTTCGAGGGAAGGAACCAGCAGCTCGGCTCTGGGG-3'

ClinVar aggregate classification (germline): Pathogenic (1 of 4 stars; one submission).

Conditions:
Inborn genetic diseases. Identifiers: MedGen C0950123, MeSH D030342.

Submission:

Ambry Genetics
Classification: Pathogenic for Inborn genetic diseases. Last evaluated: 2025-08-12. Review status: criteria provided, single submitter. Criteria: Ambry Variant Classification Scheme 2023. Collection method: clinical testing. Allele origin: germline.
Comment: The c.5739_5766del28 (p.E1915Sfs*39) alteration, located in exon 9 (coding exon 7) of the ANKRD11 gene, consists of a deletion of 28 nucleotides from position 5739 to 5766, causing a translational frameshift with a predicted alternate stop codon after 39 amino acids. This alteration is expected to result in loss of function by premature protein truncation or nonsense-mediated mRNA decay. This variant was not reported in population-based cohorts in the Genome Aggregation Database (gnomAD). Based on the available evidence, this alteration is classified as pathogenic.